The following is an entry in ClinVar:

ClinVar aggregate classification (germline): Benign/Likely benign. Review status: criteria provided, multiple submitters, no conflicts (2 of 4 stars). 6 submissions from 6 submitters: Benign (2); Likely benign (2). 2 of the submissions do not count toward it. Last evaluated 2024-11-16.

Conditions:
GLI2-related disorder. Also called: GLI2-related disorders; GLI2-related condition.
Postaxial polydactyly-anterior pituitary anomalies-facial dysmorphism syndrome. Also called: Culler-Jones syndrome. Identifiers: Orphanet 420584, MedGen C4014479, MONDO:0014369, OMIM 615849.
Holoprosencephaly 9 (HPE9). Also called: HOLOPROSENCEPHALY WITH MICROPHTHALMIA AND FIRST BRANCHIAL ARCH ANOMALIES; PITUITARY ANOMALIES WITH HOLOPROSENCEPHALY-LIKE FEATURES. Identifiers: Orphanet 2162, MedGen C1835819, MONDO:0012563, OMIM 610829.
Inborn genetic diseases. Identifiers: MedGen C0950123, MeSH D030342.

Allele frequency attached by ClinVar (database versions not stated): TOPMed 0.00004; 1000 Genomes Project 30x 0.00109; 1000 Genomes Project 0.00120.
gnomAD v4.1: 535 of 1,613,916 alleles (0.033%); highest among the groups gnomAD compares: South Asian, 0.53%; 8 homozygotes.

Submissions (6):

Labcorp Genetics (formerly Invitae), Labcorp
Classification: Benign for Postaxial polydactyly-anterior pituitary anomalies-facial dysmorphism syndrome; Holoprosencephaly 9. Last evaluated: 2024-11-16. Review status: criteria provided, single submitter. Criteria: Invitae Variant Classification Sherloc (09022015). Collection method: clinical testing. Allele origin: germline.

Blueprint Genetics
Classification: Likely benign. Last evaluated: 2024-02-09. Review status: criteria provided, single submitter. Criteria: ACMG Guidelines, 2015. Collection method: clinical testing. Allele origin: germline.

Ambry Genetics
Classification: Likely benign for Inborn genetic diseases. Last evaluated: 2021-10-12. Review status: criteria provided, single submitter. Criteria: Ambry Variant Classification Scheme 2023. Collection method: clinical testing. Allele origin: germline.

Illumina Laboratory Services, Illumina
Classification: Benign for Holoprosencephaly 9. Last evaluated: 2017-04-27. Review status: criteria provided, single submitter. Criteria: ICSL Variant Classification Criteria 13 December 2019. Collection method: clinical testing. Allele origin: germline.
Comment: This variant was observed as part of a predisposition screen in an ostensibly healthy population. A literature search was performed for the gene, cDNA change, and amino acid change (where applicable). No publications were found based on this search. Allele frequency data from public databases was too high to be consistent with this variant causing disease. Therefore, this variant is classified as benign.

PreventionGenetics, part of Exact Sciences
Classification: Benign for GLI2-related condition. Last evaluated: 2019-06-28. Review status: no assertion criteria provided. Collection method: clinical testing. Allele origin: germline. Not counted in ClinVar's aggregate classification.
Comment: This variant is classified as benign based on ACMG/AMP sequence variant interpretation guidelines (Richards et al. 2015 PMID: 25741868, with internal and published modifications).

Department of Pathology and Laboratory Medicine, Sinai Health System
Classification: Benign. Review status: no assertion criteria provided. Collection method: clinical testing. Allele origin: unknown. Affected: yes. Study: The Canadian Open Genetics Repository (COGR). Not counted in ClinVar's aggregate classification.
Comment: The GLI2 p.D1520E variant was identified in one heterozygous proband with hyperactivity, neurotransmitter deficiency, development delay, and neuro regression (Abbas_2020). The variant was identified in dbSNP (ID: rs148902971) and ClinVar (classified as benign by Invitae and Illumina). The variant was identified in control databases in 180 of 251180 chromosomes (1 homozygous) at a frequency of 0.0007166, and was observed at the highest frequency in the South Asian population in 172 of 30616 chromosomes (freq: 0.005618) (Genome Aggregation Database March 6, 2019, v2.1.1). This frequency is greater than expected for the rare, autosomal dominant Culler-Jones syndrome and Holoprosencephaly 9 condition associated with GLI2 variants. The p.D1520 residue is conserved in mammals however computational analyses (MUT Assesor, PolyPhen-2, SIFT, MutationTaster, Revel, FATHMM, MetaLR, DANN) do not suggest a high likelihood of impact to the protein; this information is not predictive enough to rule out pathogenicity. The variant occurs outside of the splicing consensus sequence and in silico or computational prediction software programs (Splice AI exome) do not predict a deleterious effect on splicing. In summary, based on the above information this variant meets our laboratory's criteria to be classified as benign.

NM_001374353.1(GLI2):c.4509T>G (p.Asp1503Glu)

Gene: GLI2 (GLI family zinc finger 2; plus strand). Cytogenetic location: 2q14.2.
Variant type: single nucleotide variant.
Coding change: c.4509T>G on transcript NM_001374353.1 (MANE Select); coding-DNA position 4509, T replaced by G.
Protein change: p.Asp1503Glu; replaces aspartic acid 1503 with glutamic acid.
Molecular consequence: missense variant.
Genome position (GRCh38, 1-based): chr2:120,990,474, T>G. VCF-style: chr2-120990474-T-G. GRCh37 (hg19) VCF-style: chr2-121748050-T-G.
Other names: c.4560T>G, p.Asp1520Glu (NM_001371271.1, NM_005270.5); c.4134T>G, p.Asp1378Glu (NM_001374354.1); short protein forms D1378E, D1503E, D1520E.
Identifiers: ClinVar variation 707068 (VCV000707068.17), dbSNP rs148902971, ClinGen allele CA1852652.